The following is an entry in ClinVar:

ClinVar aggregate classification (germline): Uncertain significance (1 of 4 stars; one submission).

gnomAD v4.1: 23 of 1,603,648 alleles (0.0014%); highest among the groups gnomAD compares: South Asian, 0.0089%; no homozygotes.

Submission:

Labcorp Genetics (formerly Invitae), Labcorp
Classification: Uncertain significance. Last evaluated: 2025-03-06. Review status: criteria provided, single submitter. Criteria: Invitae Variant Classification Sherloc (09022015). Collection method: clinical testing. Allele origin: germline.
Comment: This sequence change replaces valine, which is neutral and non-polar, with isoleucine, which is neutral and non-polar, at codon 537 of the ROR2 protein (p.Val537Ile). This variant is present in population databases (rs768540708, gnomAD 0.01%). This variant has not been reported in the literature in individuals affected with ROR2-related conditions. Invitae Evidence Modeling of protein sequence and biophysical properties (such as structural, functional, and spatial information, amino acid conservation, physicochemical variation, residue mobility, and thermodynamic stability) indicates that this missense variant is not expected to disrupt ROR2 protein function with a negative predictive value of 80%. In summary, the available evidence is currently insufficient to determine the role of this variant in disease. Therefore, it has been classified as a Variant of Uncertain Significance.

NM_004560.4(ROR2):c.1609G>A (p.Val537Ile)

Gene: ROR2 (receptor tyrosine kinase like orphan receptor 2; minus strand). Cytogenetic location: 9q22.31.
Variant type: single nucleotide variant.
Coding change: c.1609G>A on transcript NM_004560.4 (MANE Select); coding-DNA position 1609, G replaced by A.
Protein change: p.Val537Ile; replaces valine 537 with isoleucine.
Molecular consequence: missense variant.
Genome position (GRCh38, 1-based): chr9:91,724,885, C>T on the plus strand (G>A on the coding strand, the complement: ROR2 is on the minus strand). VCF-style: chr9-91724885-C-T. GRCh37 (hg19) VCF-style: chr9-94487167-C-T.
Other names: short protein forms V537I.
Identifiers: ClinVar variation 3665820 (VCV003665820.2).